The following is an entry in ClinVar:

NM_020937.4(FANCM):c.74G>A (p.Cys25Tyr)

Genes: FANCM (FA complementation group M; plus strand), LOC130055524 (ATAC-STARR-seq lymphoblastoid active region 8299; plus strand). Cytogenetic location: 14q21.2.
Variant type: single nucleotide variant.
Coding change: c.74G>A on transcript NM_020937.4 (MANE Select); coding-DNA position 74, G replaced by A.
Protein change: p.Cys25Tyr; replaces cysteine 25 with tyrosine.
Molecular consequence: missense variant.
Genome position (GRCh38, 1-based): chr14:45,136,105, G>A. VCF-style: chr14-45136105-G-A. GRCh37 (hg19) VCF-style: chr14-45605308-G-A.
Other names: c.74G>A, p.Cys25Tyr (NM_001308133.2, NM_001308134.2); short protein forms C25Y.
Identifiers: ClinVar variation 4254574 (VCV004254574.1).

ClinVar aggregate classification (germline): Uncertain significance (1 of 4 stars; one submission).

Conditions:
Inborn genetic diseases. Identifiers: MedGen C0950123, MeSH D030342.

Submission:

Ambry Genetics
Classification: Uncertain significance for Inborn genetic diseases. Last evaluated: 2025-07-05. Review status: criteria provided, single submitter. Criteria: Ambry Variant Classification Scheme 2023. Collection method: clinical testing. Allele origin: germline.
Comment: The p.C25Y variant (also known as c.74G>A), located in coding exon 1 of the FANCM gene, results from a G to A substitution at nucleotide position 74. The cysteine at codon 25 is replaced by tyrosine, an amino acid with highly dissimilar properties. This amino acid position is conserved. In addition, this alteration is predicted to be tolerated by in silico analysis. Based on the available evidence, the clinical significance of this variant remains unclear.